The following is an entry in ClinVar:

NM_001367823.1(ARHGEF18):c.1688A>G (p.His563Arg)

Gene: ARHGEF18 (Rho/Rac guanine nucleotide exchange factor 18; plus strand). Cytogenetic location: 19p13.2.
Variant type: single nucleotide variant.
Coding change: c.1688A>G on transcript NM_001367823.1 (MANE Select); coding-DNA position 1688, A replaced by G.
Protein change: p.His563Arg; replaces histidine 563 with arginine.
Molecular consequence: missense variant.
Genome position (GRCh38, 1-based): chr19:7,447,119, A>G. VCF-style: chr19-7447119-A-G. GRCh37 (hg19) VCF-style: chr19-7512005-A-G.
Other names: c.962A>G, p.His321Arg (NM_001130955.2); c.650A>G, p.His217Arg (NM_001367824.1, NM_015318.4); short protein forms H217R, H321R, H563R.
Identifiers: ClinVar variation 2165641 (VCV002165641.4), dbSNP rs749191251, ClinGen allele CA9136549.

ClinVar aggregate classification (germline): Uncertain significance (1 of 4 stars; one submission).

Allele frequency attached by ClinVar (database versions not stated): gnomAD exomes below 0.00001; TOPMed below 0.00001; ExAC 0.00001.
gnomAD v4.1: 2 of 1,613,784 alleles (0.00012%); highest among the groups gnomAD compares: East Asian, 0.0022%; no homozygotes.

Submission:

Labcorp Genetics (formerly Invitae), Labcorp
Classification: Uncertain significance. Last evaluated: 2022-05-16. Review status: criteria provided, single submitter. Criteria: Invitae Variant Classification Sherloc (09022015). Collection method: clinical testing. Allele origin: germline.
Comment: In summary, the available evidence is currently insufficient to determine the role of this variant in disease. Therefore, it has been classified as a Variant of Uncertain Significance. Algorithms developed to predict the effect of missense changes on protein structure and function are either unavailable or do not agree on the potential impact of this missense change (SIFT: "Deleterious"; PolyPhen-2: "Benign"; Align-GVGD: "Class C0"). This variant has not been reported in the literature in individuals affected with ARHGEF18-related conditions. This variant is present in population databases (rs749191251, gnomAD 0.006%). This sequence change replaces histidine, which is basic and polar, with arginine, which is basic and polar, at codon 375 of the ARHGEF18 protein (p.His375Arg).